The following is an entry in ClinVar:

NM_025265.4(TSEN2):c.309G>A (p.Arg103=)

Gene: TSEN2 (tRNA splicing endonuclease subunit 2; plus strand). Cytogenetic location: 3p25.2.
Variant type: single nucleotide variant.
Coding change: c.309G>A on transcript NM_025265.4 (MANE Select); coding-DNA position 309, G replaced by A.
Protein change: p.Arg103=; no amino-acid change (arginine 103 retained).
Molecular consequence: synonymous variant. On other transcripts: non-coding transcript variant (1).
Genome position (GRCh38, 1-based): chr3:12,503,262, G>A. VCF-style: chr3-12503262-G-A. GRCh37 (hg19) VCF-style: chr3-12544761-G-A.
Other names: c.309G>A, p.Arg103= (NM_001145392.2, NM_001145393.3, NM_001145394.2 and 3 more transcripts).
Identifiers: ClinVar variation 167750 (VCV000167750.13), dbSNP rs148549222, ClinGen allele CA235017.
Genomic context (GRCh38, chr3:12,503,262, plus strand): 5'-TTGTTGTTTTTTCAATTTTGAAATTCGAGTGCTGTTTCTAACAGTATTTCTGTCTTGCAG[G>A]TATCAGCATAGTGTTGAGTGGGCAGCAGAGCTGATGCGTAGACAGGGGCAGGATGAGAGT-3'
Protein context (NP_079541.1, residues 93-113): KTNMPIITSK[Arg103=]YQHSVEWAAE

ClinVar aggregate classification (germline): Conflicting classifications of pathogenicity. Review status: criteria provided, conflicting classifications (1 of 4 stars). 3 submissions from 3 submitters: Uncertain significance (2); Likely benign (1). Last evaluated 2025-01-06.

Allele frequency attached by ClinVar (database versions not stated): ESP Exome Variant Server 0.00015; TOPMed 0.00015; gnomAD exomes 0.00017; gnomAD 0.00026 and 0.00029; 1000 Genomes Project 0.00060; 1000 Genomes Project 30x 0.00078.
gnomAD v4.1: 291 of 1,614,080 alleles (0.018%); highest among the groups gnomAD compares: Admixed American, 0.063%; no homozygotes.

Submissions (3):

Labcorp Genetics (formerly Invitae), Labcorp
Classification: Uncertain significance. Last evaluated: 2025-01-06. Review status: criteria provided, single submitter. Criteria: Invitae Variant Classification Sherloc (09022015). Collection method: clinical testing. Allele origin: germline.
Comment: This sequence change affects codon 103 of the TSEN2 mRNA. It is a 'silent' change, meaning that it does not change the encoded amino acid sequence of the TSEN2 protein. It affects a nucleotide within the consensus splice site. This variant is present in population databases (rs148549222, gnomAD 0.05%). This variant has not been reported in the literature in individuals affected with TSEN2-related conditions. ClinVar contains an entry for this variant (Variation ID: 167750). Algorithms developed to predict the effect of sequence changes on RNA splicing suggest that this variant is not likely to affect RNA splicing. In summary, the available evidence is currently insufficient to determine the role of this variant in disease. Therefore, it has been classified as a Variant of Uncertain Significance.

GeneDx
Classification: Likely benign. Last evaluated: 2021-10-12. Review status: criteria provided, single submitter. Criteria: GeneDx Variant Classification Process June 2021. Collection method: clinical testing. Allele origin: germline. Affected: yes.

Eurofins Ntd Llc (ga)
Classification: Uncertain significance. Last evaluated: 2014-01-27. Review status: criteria provided, single submitter. Criteria: EGL Classification Definitions 2015. Collection method: clinical testing. Allele origin: germline. Observed: 2 variant alleles, 2 heterozygotes.